The following is an entry in ClinVar:

NC_000023.10:g.(?_22237133)_(22239880_?)del

Gene: PHEX (phosphate regulating endopeptidase X-linked; plus strand). Cytogenetic location: Xp22.11.
Variant type: Deletion.
Identifiers: ClinVar variation 1069836 (VCV001069836.5).

ClinVar aggregate classification (germline): Pathogenic (1 of 4 stars; one submission).

Submission:

Labcorp Genetics (formerly Invitae), Labcorp
Classification: Pathogenic. Last evaluated: 2020-09-18. Review status: criteria provided, single submitter. Criteria: Invitae Variant Classification Sherloc (09022015). Collection method: clinical testing. Allele origin: germline.
Comment: This variant is an out-of-frame deletion of the genomic region encompassing exons 17-18 of the PHEX gene. This is expected to create a premature translational stop signal and result in an absent or disrupted protein product. This variant has not been reported in the literature in individuals with PHEX-related conditions. Loss-of-function variants in PHEX are known to be pathogenic (PMID: 9097956, 9106524, 19219621). For these reasons, this variant has been classified as Pathogenic.

Literature cited by the submitters: PubMed 9097956; PubMed 9106524; PubMed 19219621.